The following is an entry in ClinVar:

NM_003072.5(SMARCA4):c.4265C>T (p.Ser1422Phe)

Gene: SMARCA4 (SWI/SNF related BAF chromatin remodeling complex subunit ATPase 4; plus strand). Cytogenetic location: 19p13.2.
Variant type: single nucleotide variant.
Coding change: c.4265C>T on transcript NM_003072.5 (MANE Select); coding-DNA position 4265, C replaced by T.
Protein change: p.Ser1422Phe; replaces serine 1422 with phenylalanine.
Molecular consequence: missense variant. On other transcripts: non-coding transcript variant (1).
Genome position (GRCh38, 1-based): chr19:11,041,401, C>T. VCF-style: chr19-11041401-C-T. GRCh37 (hg19) VCF-style: chr19-11152077-C-T.
Other names: c.4265C>T, p.Ser1422Phe (NM_001128844.3); c.4175C>T, p.Ser1392Phe (NM_001128845.2, NM_001128846.2); c.4166C>T, p.Ser1389Phe (NM_001128847.4, NM_001128848.2, NM_001374457.1); c.4361C>T, p.Ser1454Phe (NM_001128849.3, NM_001387283.1); short protein forms S1392F, S1422F, S1389F, S1454F.
Identifiers: ClinVar variation 1424805 (VCV001424805.6), dbSNP rs2146816731, ClinGen allele CA404073390.
Genomic context (GRCh38, chr19:11,041,401, plus strand): 5'-AGGAGGTCCGGCAGAAGAAATCATCACGGAAGCGCAAGCGAGACAGCGACGCCGGCTCCT[C>T]CACCCCGACCACCAGCACCCGCAGCCGCGACAAGGACGACGAGAGCAAGAAGCAGAAGAA-3'
Protein context (NP_003063.2, residues 1412-1432): KRKRDSDAGS[Ser1422Phe]TPTTSTRSRD

ClinVar aggregate classification (germline): Uncertain significance (1 of 4 stars; one submission).

Conditions:
Rhabdoid tumor predisposition syndrome 2 (RTPS2). Identifiers: Orphanet 231108, Orphanet 69077, MedGen C2750074, MONDO:0013224, OMIM 613325.

Submission:

Labcorp Genetics (formerly Invitae), Labcorp
Classification: Uncertain significance for Rhabdoid tumor predisposition syndrome 2. Last evaluated: 2024-05-07. Review status: criteria provided, single submitter. Criteria: Invitae Variant Classification Sherloc (09022015). Collection method: clinical testing. Allele origin: germline.
Comment: This sequence change replaces serine, which is neutral and polar, with phenylalanine, which is neutral and non-polar, at codon 1454 of the SMARCA4 protein (p.Ser1454Phe). This variant is not present in population databases (gnomAD no frequency). This variant has not been reported in the literature in individuals affected with SMARCA4-related conditions. ClinVar contains an entry for this variant (Variation ID: 1424805). Advanced modeling of protein sequence and biophysical properties (such as structural, functional, and spatial information, amino acid conservation, physicochemical variation, residue mobility, and thermodynamic stability) performed at Invitae indicates that this missense variant is not expected to disrupt SMARCA4 protein function with a negative predictive value of 95%. In summary, the available evidence is currently insufficient to determine the role of this variant in disease. Therefore, it has been classified as a Variant of Uncertain Significance.